The following is an entry in ClinVar:

ClinVar aggregate classification (germline): Pathogenic (1 of 4 stars; one submission).

Submission:

ISCA Site 6
Classification: Pathogenic. Last evaluated: 2011-08-12. Review status: criteria provided, single submitter. Criteria: Kaminsky et al. (Genet Med. 2011). Collection method: clinical testing. Allele origin: unknown. Affected: yes. Observed: 1 variant allele.
Comment: Copy number variation identified through the course of routine clinical cytogenomic testing in postnatal populations. Clinical assertions have been curated as described in Kaminsky et al. 2011.

GRCh38/hg38 21p11.2-q22.3(chr21:7749532-46623792)x3

Genes: AATBC (apoptosis associated transcript in bladder cancer; minus strand), ABCG1 (ATP binding cassette subfamily G member 1; plus strand), ADAMTS1 (ADAM metallopeptidase with thrombospondin type 1 motif 1; minus strand), ADAMTS5 (ADAM metallopeptidase with thrombospondin type 1 motif 5; minus strand), ADARB1 (adenosine deaminase RNA specific B1; plus strand) and 1154 more. Cytogenetic location: 21p11.2-q22.3.
Variant type: copy number gain.
Change: copy number 3 (three copies instead of two) of chr21:7,749,532-46,623,792 (38.87 Mb, GRCh38 coordinates, 1-based), cytogenetic band 21p11.2-q22.3.
Identifiers: ClinVar variation 59223 (VCV000059223.2).